The following is an entry in ClinVar:

ClinVar aggregate classification (germline): Uncertain significance (1 of 4 stars; one submission).

Conditions:
Spastic paraplegia. Identifiers: MedGen C0037772, HP:0001258.

Submission:

Labcorp Genetics (formerly Invitae), Labcorp
Classification: Uncertain significance for Spastic paraplegia. Last evaluated: 2024-11-04. Review status: criteria provided, single submitter. Criteria: Invitae Variant Classification Sherloc (09022015). Collection method: clinical testing. Allele origin: germline.
Comment: This sequence change replaces alanine, which is neutral and non-polar, with serine, which is neutral and polar, at codon 109 of the FA2H protein (p.Ala109Ser). This variant is not present in population databases (gnomAD no frequency). This variant has not been reported in the literature in individuals affected with FA2H-related conditions. ClinVar contains an entry for this variant (Variation ID: 1910611). Invitae Evidence Modeling of protein sequence and biophysical properties (such as structural, functional, and spatial information, amino acid conservation, physicochemical variation, residue mobility, and thermodynamic stability) indicates that this missense variant is not expected to disrupt FA2H protein function with a negative predictive value of 80%. In summary, the available evidence is currently insufficient to determine the role of this variant in disease. Therefore, it has been classified as a Variant of Uncertain Significance.

NM_024306.5(FA2H):c.325G>T (p.Ala109Ser)

Gene: FA2H (fatty acid 2-hydroxylase; minus strand). Cytogenetic location: 16q23.1.
Variant type: single nucleotide variant.
Coding change: c.325G>T on transcript NM_024306.5 (MANE Select); coding-DNA position 325, G replaced by T.
Protein change: p.Ala109Ser; replaces alanine 109 with serine.
Molecular consequence: missense variant.
Genome position (GRCh38, 1-based): chr16:74,740,061, C>A on the plus strand (G>T on the coding strand, the complement: FA2H is on the minus strand). VCF-style: chr16-74740061-C-A. GRCh37 (hg19) VCF-style: chr16-74773959-C-A.
Other names: short protein forms A109S.
Identifiers: ClinVar variation 1910611 (VCV001910611.5), dbSNP rs2144634063, ClinGen allele CA396770379.
Genomic context (GRCh38, chr16:74,740,061, plus strand): 5'-CACTCCATCCTATGCCAGGTACCTTGTCCCAATCCACCACTTTGAACCGTGGTTCCATAG[C>A]AGGATCTGTCTTCTGAGTTTCCTCAAGGGCTACAGGCTCGTTCTCCATGGAGCCCTGGAA-3'
Protein context (NP_077282.3, residues 99-119): ALEETQKTDP[Ala109Ser]MEPRFKVVDW